The following is an entry in ClinVar:

ClinVar aggregate classification (germline): Uncertain significance (1 of 4 stars; one submission).

Conditions:
Hereditary cancer-predisposing syndrome. Also called: Hereditary Cancer Syndrome; Neoplastic Syndromes, Hereditary; Tumor predisposition; Hereditary neoplastic syndrome. Identifiers: Orphanet 140162, MedGen C0027672, MeSH D009386, MONDO:0015356.

Submission:

Color Diagnostics, LLC DBA Color Health
Classification: Uncertain significance for Hereditary cancer-predisposing syndrome. Last evaluated: 2023-12-05. Review status: criteria provided, single submitter. Criteria: ACMG Guidelines, 2015. Collection method: clinical testing. Allele origin: germline.
Comment: This missense variant replaces serine with arginine at codon 186 of the BARD1 protein. Computational prediction suggests that this variant may not impact protein structure and function (internally defined REVEL score threshold <= 0.5, PMID: 27666373). To our knowledge, functional studies have not been reported for this variant. This variant has not been reported in individuals affected with BARD1-related disorders in the literature. This variant has not been identified in the general population by the Genome Aggregation Database (gnomAD). The available evidence is insufficient to determine the role of this variant in disease conclusively. Therefore, this variant is classified as a Variant of Uncertain Significance.

NM_000465.4(BARD1):c.558T>G (p.Ser186Arg)

Gene: BARD1 (BRCA1 associated RING domain 1; minus strand). Cytogenetic location: 2q35.
Variant type: single nucleotide variant.
Coding change: c.558T>G on transcript NM_000465.4 (MANE Select); coding-DNA position 558, T replaced by G.
Protein change: p.Ser186Arg; replaces serine 186 with arginine.
Molecular consequence: missense variant. On other transcripts: non-coding transcript variant (2), intron variant (3).
Genome position (GRCh38, 1-based): chr2:214,781,316, A>C on the plus strand (T>G on the coding strand, the complement: BARD1 is on the minus strand). VCF-style: chr2-214781316-A-C. GRCh37 (hg19) VCF-style: chr2-215646040-A-C.
Other names: c.501T>G, p.Ser167Arg (NM_001282543.2); c.158+28096T>G (NM_001282548.2); c.215+15745T>G (NM_001282545.2); c.364+10981T>G (NM_001282549.2); short protein forms S186R, S167R.
Identifiers: ClinVar variation 489675 (VCV000489675.5), dbSNP rs1553622618, ClinGen allele CA350457392.